The following is an entry in ClinVar:

NM_001048174.2(MUTYH):c.235G>C (p.Glu79Gln)

Gene: MUTYH (mutY DNA glycosylase; minus strand). Cytogenetic location: 1p34.1.
Variant type: single nucleotide variant.
Coding change: c.235G>C on transcript NM_001048174.2 (MANE Select); coding-DNA position 235, G replaced by C.
Protein change: p.Glu79Gln; replaces glutamic acid 79 with glutamine.
Molecular consequence: missense variant. On other transcripts: 5 prime UTR variant (4), non-coding transcript variant (2).
Genome position (GRCh38, 1-based): chr1:45,333,442, C>G on the plus strand (G>C on the coding strand, the complement: MUTYH is on the minus strand). VCF-style: chr1-45333442-C-G. GRCh37 (hg19) VCF-style: chr1-45799114-C-G.
Other names: c.235G>C, p.Glu79Gln (NM_001048171.2, NM_001048173.2, NM_001293195.2); c.238G>C, p.Glu80Gln (NM_001048172.2); c.319G>C, p.Glu107Gln (NM_001128425.2); c.280G>C, p.Glu94Gln (NM_001293190.2); c.268G>C, p.Glu90Gln (NM_001293191.2); c.-42G>C (NM_001293192.2, NM_001293196.2); c.-37G>C (NM_001350650.2, NM_001350651.2); c.310G>C, p.Glu104Gln (NM_012222.3); short protein forms E107Q, E90Q, E94Q, E79Q, E80Q, E104Q.
Identifiers: ClinVar variation 406863 (VCV000406863.12), dbSNP rs773108803, ClinGen allele CA057360.

ClinVar aggregate classification (germline): Conflicting classifications of pathogenicity. Review status: criteria provided, conflicting classifications (1 of 4 stars). 3 submissions from 3 submitters: Uncertain significance (2); Benign (1). Last evaluated 2025-09-09.

Conditions:
Hereditary cancer-predisposing syndrome. Also called: Tumor predisposition; Hereditary Cancer Syndrome; Hereditary neoplastic syndrome; Neoplastic Syndromes, Hereditary. Identifiers: Orphanet 140162, MedGen C0027672, MeSH D009386, MONDO:0015356.
Familial adenomatous polyposis 2. Also called: COLORECTAL ADENOMATOUS POLYPOSIS, AUTOSOMAL RECESSIVE; MUTYH Polyposis; MUTYH-associated polyposis; MUTYH-related attenuated familial adenomatous polyposis; Adenomas, multiple colorectal; ADENOMAS, MULTIPLE COLORECTAL, AUTOSOMAL RECESSIVE. Identifiers: Orphanet 220460, Orphanet 247798, MedGen C3272841, MONDO:0012041, OMIM 608456.

Allele frequency attached by ClinVar (database versions not stated): gnomAD exomes below 0.00001; ExAC 0.00001.
gnomAD v4.1: 5 of 1,614,244 alleles (0.00031%); highest among the groups gnomAD compares: Non-Finnish European, 0.00034%; no homozygotes.

Submissions (3):

Ambry Genetics
Classification: Benign for Hereditary cancer-predisposing syndrome. Last evaluated: 2025-09-09. Review status: criteria provided, single submitter. Criteria: Ambry Variant Classification Scheme 2023. Collection method: clinical testing. Allele origin: germline.

Labcorp Genetics (formerly Invitae), Labcorp
Classification: Uncertain significance for Familial adenomatous polyposis 2. Last evaluated: 2024-05-06. Review status: criteria provided, single submitter. Criteria: Invitae Variant Classification Sherloc (09022015). Collection method: clinical testing. Allele origin: germline.
Comment: This sequence change replaces glutamic acid, which is acidic and polar, with glutamine, which is neutral and polar, at codon 107 of the MUTYH protein (p.Glu107Gln). This variant is present in population databases (rs773108803, gnomAD 0.0009%). This variant has not been reported in the literature in individuals affected with MUTYH-related conditions. ClinVar contains an entry for this variant (Variation ID: 406863). An algorithm developed to predict the effect of missense changes on protein structure and function (PolyPhen-2) suggests that this variant is likely to be tolerated. In summary, the available evidence is currently insufficient to determine the role of this variant in disease. Therefore, it has been classified as a Variant of Uncertain Significance.

All of Us Research Program, National Institutes of Health
Classification: Uncertain significance for Familial adenomatous polyposis 2. Last evaluated: 2024-01-11. Review status: criteria provided, single submitter. Criteria: ACMG Guidelines, 2015. Collection method: clinical testing. Allele origin: germline. Inheritance: Autosomal recessive inheritance. Observed: 1 variant allele, 1 heterozygote.
Comment: This study involves interpretation of variants in research participants for the purpose of population health screening. Participant phenotype was not available at the time of variant classification. Additional details can be found in publication PMID: 35346344, PMCID: PMC8962531